The following is an entry in ClinVar:

NM_005002.5(NDUFA9):c.182C>T (p.Ala61Val)

Gene: NDUFA9 (NADH:ubiquinone oxidoreductase subunit A9; plus strand). Cytogenetic location: 12p13.32.
Variant type: single nucleotide variant.
Coding change: c.182C>T on transcript NM_005002.5 (MANE Select); coding-DNA position 182, C replaced by T.
Protein change: p.Ala61Val; replaces alanine 61 with valine.
Molecular consequence: missense variant.
Genome position (GRCh38, 1-based): chr12:4,654,424, C>T. VCF-style: chr12-4654424-C-T. GRCh37 (hg19) VCF-style: chr12-4763590-C-T.
Other names: short protein forms A61V.
Identifiers: ClinVar variation 214719 (VCV000214719.2), dbSNP rs863224087, ClinGen allele CA323857.

ClinVar aggregate classification (germline): Uncertain significance (1 of 4 stars; one submission).

Allele frequency attached by ClinVar (database versions not stated): TOPMed below 0.00001; gnomAD exomes below 0.00001.
gnomAD v4.1: 6 of 1,614,058 alleles (0.00037%); highest among the groups gnomAD compares: Admixed American, 0.0017%; no homozygotes.

Submission:

GeneDx
Classification: Uncertain significance. Last evaluated: 2014-07-02. Review status: criteria provided, single submitter. Criteria: GeneDx Variant Classification (06012015). Collection method: clinical testing. Allele origin: germline. Affected: yes.
Comment: The A61V variant has not been published as a mutation, nor has it been reported as a benign polymorphism. The A61V variant is a conservative amino acid substitution, which is not likely to impact secondary protein structure as these residues share similar properties. However, this substitution occurs at a position that is highly conserved across species, and in silico analysis predicts this variant is probably damaging to the protein structure/function. Therefore, based on the currently available information, it is unclear whether this variant is a pathogenic mutation or a rare benign variant. The variant is found in MITONUC-MITOP panel(s).